The following is an entry in ClinVar:

NM_000051.4(ATM):c.6006+7A>G

Genes: C11orf65 (chromosome 11 open reading frame 65; minus strand), ATM (ATM serine/threonine kinase; plus strand). Cytogenetic location: 11q22.3.
Variant type: single nucleotide variant.
Coding change: c.6006+7A>G on transcript NM_000051.4 (MANE Select); 7 bases into the intron after coding-DNA position 6006, A replaced by G.
Molecular consequence: intron variant.
Genome position (GRCh38, 1-based): chr11:108,312,505, A>G. VCF-style: chr11-108312505-A-G. GRCh37 (hg19) VCF-style: chr11-108183232-A-G.
Other names: c.6006+7A>G (NM_001351834.2); c.641-3434T>C (NM_001330368.2); c.*39-3434T>C (NM_001351110.2).
Identifiers: ClinVar variation 414571 (VCV000414571.51), dbSNP rs1060504289, ClinGen allele CA16613169.

ClinVar aggregate classification (germline): Likely benign. Review status: criteria provided, multiple submitters, no conflicts (2 of 4 stars). 2 submissions from 2 submitters: Likely benign (2). Last evaluated 2025-09-24.

Conditions:
Ataxia-telangiectasia syndrome (AT). Also called: LOUIS-BAR SYNDROME; Cerebello-oculocutaneous telangiectasia; Immunodeficiency with ataxia telangiectasia; Ataxia-telangiectasia, complementation group D; AT, COMPLEMENTATION GROUP C; Ataxia-telangiectasia, complementation group E. Identifiers: Orphanet 100, MedGen C0004135, MONDO:0008840, OMIM 208900.
Familial cancer of breast. Also called: Hereditary breast cancer; BREAST CANCER, FAMILIAL; hereditary breast carcinoma. Identifiers: Orphanet 227535, MedGen C0346153, MONDO:0016419, OMIM 114480. Disease mechanism: loss of function.

Allele frequency attached by ClinVar (database versions not stated): gnomAD exomes 0.00001.
gnomAD v4.1: 3 of 1,529,776 alleles (0.0002%); highest among the groups gnomAD compares: Non-Finnish European, 0.00027%; no homozygotes.

Submissions (2):

Labcorp Genetics (formerly Invitae), Labcorp
Classification: Likely benign for Ataxia-telangiectasia syndrome. Last evaluated: 2025-09-24. Review status: criteria provided, single submitter. Criteria: Invitae Variant Classification Sherloc (09022015). Collection method: clinical testing. Allele origin: germline.

Myriad Genetics, Inc.
Classification: Likely benign for Familial cancer of breast. Last evaluated: 2024-05-28. Review status: criteria provided, single submitter. Criteria: Myriad Autosomal Dominant, Autosomal Recessive and X-Linked Classification Criteria (2023). Collection method: clinical testing. Allele origin: unknown.
Comment: This variant is considered likely benign. This variant is intronic and is not expected to impact mRNA splicing.